The following is an entry in ClinVar:

NM_024747.6(HPS6):c.277G>T (p.Val93Leu)

Genes: HPS6 (HPS6 biogenesis of lysosomal organelles complex 2 subunit 3; plus strand), LOC130004578 (ATAC-STARR-seq lymphoblastoid silent region 2738; plus strand). Cytogenetic location: 10q24.32.
Variant type: single nucleotide variant.
Coding change: c.277G>T on transcript NM_024747.6 (MANE Select); coding-DNA position 277, G replaced by T.
Protein change: p.Val93Leu; replaces valine 93 with leucine.
Molecular consequence: missense variant.
Genome position (GRCh38, 1-based): chr10:102,065,751, G>T. VCF-style: chr10-102065751-G-T. GRCh37 (hg19) VCF-style: chr10-103825508-G-T.
Other names: short protein forms V93L.
Identifiers: ClinVar variation 880396 (VCV000880396.14), dbSNP rs185571437, ClinGen allele CA5659772.

ClinVar aggregate classification (germline): Conflicting classifications of pathogenicity. Review status: criteria provided, conflicting classifications (1 of 4 stars). 4 submissions from 4 submitters: Uncertain significance (1); Likely benign (2). 1 of the submissions does not count toward it. Last evaluated 2026-01-28.

Conditions:
Hermansky-Pudlak syndrome 6 (HPS6). Identifiers: Orphanet 231512, Orphanet 79430, MedGen C3888007, MONDO:0013558, OMIM 614075.
HPS6-related disorder. Also called: HPS6-related condition.

Allele frequency attached by ClinVar (database versions not stated): ExAC below 0.00001; gnomAD 0.00006 and 0.00015; TOPMed 0.00012; 1000 Genomes Project 0.00020; gnomAD exomes 0.00026; 1000 Genomes Project 30x 0.00109.

Submissions (4):

Labcorp Genetics (formerly Invitae), Labcorp
Classification: Likely benign. Last evaluated: 2026-01-28. Review status: criteria provided, single submitter. Criteria: Invitae Variant Classification Sherloc (09022015). Collection method: clinical testing. Allele origin: germline.

Women's Health and Genetics/Laboratory Corporation of America, LabCorp
Classification: Likely benign. Last evaluated: 2024-10-28. Review status: criteria provided, single submitter. Criteria: LabCorp Variant Classification Summary - May 2015. Collection method: clinical testing. Allele origin: germline.
Comment: Variant summary: HPS6 c.277G>T (p.Val93Leu) results in a conservative amino acid change located in the BLOC-2 complex member HPS6, N-terminal domain (IPR046823) of the encoded protein sequence. Four of four in-silico tools predict a benign effect of the variant on protein function. The variant allele was found at a frequency of 0.00026 in 99834 control chromosomes, predominantly at a frequency of 0.0041 within the East Asian subpopulation in the gnomAD database. The observed variant frequency within East Asian control individuals in the gnomAD database is approximately 6 fold of the estimated maximal expected allele frequency for a pathogenic variant in HPS6 causing Hermansky-Pudlak Syndrome phenotype (0.00063). c.277G>T has been reported in the literature in individuals affected with Meniere's disease, without strong evidence for causality (Zou_2023). These report(s) do not provide unequivocal conclusions about association of the variant with Hermansky-Pudlak Syndrome. To our knowledge, no experimental evidence demonstrating an impact on protein function has been reported. The following publication has been ascertained in the context of this evaluation (PMID: 37273692). ClinVar contains an entry for this variant (Variation ID: 880396). Based on the evidence outlined above, the variant was classified as likely benign.

Illumina Laboratory Services, Illumina
Classification: Uncertain significance for Hermansky-Pudlak syndrome 6. Last evaluated: 2018-01-12. Review status: criteria provided, single submitter. Criteria: ICSL Variant Classification Criteria 13 December 2019. Collection method: clinical testing. Allele origin: germline.

PreventionGenetics, part of Exact Sciences
Classification: Likely benign for HPS6-related condition. Last evaluated: 2024-05-28. Review status: no assertion criteria provided. Collection method: clinical testing. Allele origin: germline. Not counted in ClinVar's aggregate classification.
Comment: This variant is classified as likely benign based on ACMG/AMP sequence variant interpretation guidelines (Richards et al. 2015 PMID: 25741868, with internal and published modifications).

Literature cited by the submitters: PubMed 37273692 (cited by Women's Health and Genetics/Laboratory Corporation of America, LabCorp).